The following is an entry in ClinVar:

ClinVar aggregate classification (germline): Uncertain significance (1 of 4 stars; one submission).

Allele frequency attached by ClinVar (database versions not stated): gnomAD 0.00001; TOPMed below 0.00001.
gnomAD v4.1: 26 of 1,487,878 alleles (0.0017%); highest among the groups gnomAD compares: Non-Finnish European, 0.0022%; no homozygotes.

Submission:

Labcorp Genetics (formerly Invitae), Labcorp
Classification: Uncertain significance. Last evaluated: 2022-06-13. Review status: criteria provided, single submitter. Criteria: Invitae Variant Classification Sherloc (09022015). Collection method: clinical testing. Allele origin: germline.
Comment: This variant is not present in population databases (gnomAD no frequency). In summary, the available evidence is currently insufficient to determine the role of this variant in disease. Therefore, it has been classified as a Variant of Uncertain Significance. Algorithms developed to predict the effect of missense changes on protein structure and function (SIFT, PolyPhen-2, Align-GVGD) all suggest that this variant is likely to be tolerated. This variant has not been reported in the literature in individuals affected with PPCS-related conditions. This sequence change replaces aspartic acid, which is acidic and polar, with glycine, which is neutral and non-polar, at codon 5 of the PPCS protein (p.Asp5Gly).

NM_024664.4(PPCS):c.14A>G (p.Asp5Gly)

Genes: CCDC30 (coiled-coil domain containing 30; plus strand), PPCS (phosphopantothenoylcysteine synthetase; plus strand). Cytogenetic location: 1p34.2.
Variant type: single nucleotide variant.
Coding change: c.14A>G on transcript NM_024664.4 (MANE Select); coding-DNA position 14, A replaced by G.
Protein change: p.Asp5Gly; replaces aspartic acid 5 with glycine.
Molecular consequence: missense variant. On other transcripts: 5 prime UTR variant (4), intron variant (3).
Genome position (GRCh38, 1-based): chr1:42,456,579, A>G. VCF-style: chr1-42456579-A-G. GRCh37 (hg19) VCF-style: chr1-42922250-A-G.
Other names: c.-157A>G (NM_001287508.2); c.-16A>G (NM_001287509.2); c.-679A>G (NM_001287510.2); c.14A>G, p.Asp5Gly (NM_001287511.2); c.-984+80A>G (NM_001355226.2); c.-328+80A>G (NM_001287507.1); c.-12+80A>G (NM_001287506.1); c.-61A>G (NM_001077447.3); short protein forms D5G.
Identifiers: ClinVar variation 1367398 (VCV001367398.8), dbSNP rs1438766858, ClinGen allele CA339943490.